The following is an entry in ClinVar:

ClinVar aggregate classification (germline): Benign/Likely benign. Review status: criteria provided, multiple submitters, no conflicts (2 of 4 stars). 8 submissions from 8 submitters: Benign (6); Likely benign (2). Last evaluated 2026-02-01.

Conditions:
Autosomal recessive nonsyndromic hearing loss 30. Identifiers: Orphanet 90636, MedGen C1846784, MONDO:0011774, OMIM 607101.

Allele frequency attached by ClinVar (database versions not stated): 1000 Genomes Project 0.03275; 1000 Genomes Project 30x 0.03482; TOPMed 0.06060; gnomAD 0.06112 and 0.06209; gnomAD exomes 0.06370 and 0.07822; ExAC 0.06449; ESP Exome Variant Server 0.06858.
gnomAD v4.1: 121,690 of 1,591,708 alleles (7.6%); highest among the groups gnomAD compares: Non-Finnish European, 8.8%; 5,298 homozygotes.

Submissions (8):

Labcorp Genetics (formerly Invitae), Labcorp
Classification: Benign. Last evaluated: 2026-02-01. Review status: criteria provided, single submitter. Criteria: Invitae Variant Classification Sherloc (09022015). Collection method: clinical testing. Allele origin: germline.

Genome-Nilou Lab
Classification: Benign for Autosomal recessive nonsyndromic hearing loss 30. Last evaluated: 2021-09-05. Review status: criteria provided, single submitter. Criteria: ACMG Guidelines, 2015. Collection method: clinical testing. Allele origin: germline. Affected: no.

Mayo Clinic Laboratories, Mayo Clinic
Classification: Benign. Last evaluated: 2020-12-09. Review status: criteria provided, single submitter. Criteria: ACMG Guidelines, 2015. Collection method: clinical testing. Allele origin: germline. Observed: 21 variant alleles.

Illumina Laboratory Services, Illumina
Classification: Likely benign for Autosomal recessive nonsyndromic hearing loss 30. Last evaluated: 2018-01-13. Review status: criteria provided, single submitter. Criteria: ICSL Variant Classification Criteria 13 December 2019. Collection method: clinical testing. Allele origin: germline.
Comment: This variant was observed in the ICSL laboratory as part of a predisposition screen in an ostensibly healthy population. It had not been previously curated by ICSL or reported in the Human Gene Mutation Database (HGMD: prior to June 1st, 2018), and was therefore a candidate for classification through an automated scoring system. Utilizing variant allele frequency, disease prevalence and penetrance estimates, and inheritance mode, an automated score was calculated to assess if this variant is too frequent to cause the disease. Based on the score and internal cut-off values, a variant classified as likely benign is not then subjected to further curation. The score for this variant resulted in a classification of likely benign for this disease.

GeneDx
Classification: Benign. Last evaluated: 2017-08-03. Review status: criteria provided, single submitter. Criteria: GeneDx Variant Classification (06012015). Collection method: clinical testing. Allele origin: germline. Affected: yes.
Comment: This variant is considered likely benign or benign based on one or more of the following criteria: it is a conservative change, it occurs at a poorly conserved position in the protein, it is predicted to be benign by multiple in silico algorithms, and/or has population frequency not consistent with disease.

Laboratory for Molecular Medicine, Mass General Brigham Personalized Medicine
Classification: Benign. Last evaluated: 2012-05-07. Review status: criteria provided, single submitter. Criteria: LMM Criteria. Collection method: clinical testing. Allele origin: germline. Observed: 233 variant alleles.
Comment: Ala833Ser in Exon 22 of MYO3A: This variant is not expected to have clinical sig nificance because it has been identified in 9.0% (631/7020) of European American chromosomes from a broad population by the NHLBI Exome Sequencing Project (dbSNP rs33947968).

Breakthrough Genomics
Classification: Likely benign. Review status: criteria provided, single submitter. Criteria: ACMG Guidelines, 2015. Collection method: not provided. Allele origin: germline. Inheritance: Autosomal recessive inheritance. Affected: yes.

PreventionGenetics, part of Exact Sciences
Classification: Benign. Review status: criteria provided, single submitter. Criteria: ACMG Guidelines, 2015. Collection method: clinical testing. Allele origin: germline.

NM_017433.5(MYO3A):c.2497G>T (p.Ala833Ser)

Gene: MYO3A (myosin IIIA; plus strand). Cytogenetic location: 10p12.1.
Variant type: single nucleotide variant.
Coding change: c.2497G>T on transcript NM_017433.5 (MANE Select); coding-DNA position 2497, G replaced by T.
Protein change: p.Ala833Ser; replaces alanine 833 with serine.
Molecular consequence: missense variant.
Genome position (GRCh38, 1-based): chr10:26,145,526, G>T. VCF-style: chr10-26145526-G-T. GRCh37 (hg19) VCF-style: chr10-26434455-G-T.
Other names: short protein forms A833S.
Identifiers: ClinVar variation 45803 (VCV000045803.21), dbSNP rs33947968, ClinGen allele CA137069.